The following is an entry in ClinVar:

ClinVar aggregate classification (germline): Likely pathogenic. Review status: reviewed by expert panel (3 of 4 stars). 4 submissions from 4 submitters: Likely pathogenic (1). 3 of the submissions do not count toward it. Last evaluated 2025-11-19.

Conditions:
CYP1B1-related glaucoma with or without anterior segment dysgenesis. Identifiers: MedGen CN375931, MONDO:0800472.
Glaucoma 3A. Also called: Glaucoma 3, primary congenital, A. Identifiers: Orphanet 98976, Orphanet 98977, MedGen C1856439, MONDO:0009277, OMIM 231300.

Allele frequency attached by ClinVar (database versions not stated): gnomAD exomes below 0.00001.

Submissions (4):

ClinGen Glaucoma Variant Curation Expert Panel
Classification: Likely pathogenic for CYP1B1-related glaucoma with or without anterior segment dysgenesis. Last evaluated: 2025-11-19. Review status: reviewed by expert panel. Criteria: ClinGen CYP1B1 ACMG Specifications V1 Approved. Collection method: curation. Allele origin: germline. Inheritance: Autosomal recessive inheritance.
Comment: The c.1120G>A variant in CYP1B1 is a missense variant predicted to cause substitution of Aspartic acid by Asparagine at amino acid 374 (p.Asp374Asn). The highest minor allele frequency of this variant was in the Middle Eastern genetic ancestry group of gnomAD (v4.1.0) = 0.0001651 (1 allele out of 6,058), which met the ≤ 0.0005 threshold set for PM2_Supporting in a genetic ancestry group of at least 2,000 alleles. The REVEL score = 0.701, which was within the 0.644-0.772 range for PP3, predicting a damaging effect on CYP1B1 function. A previous study (PMID: 12807732) demonstrated that the Asp374Asn protein had reduced Benzo[a]pyrene Activity levels compared to wild type CYP1B1 protein and met the OddsPath threshold for PS3_Supporting (> 2.1), indicating that this variant did impact protein function. ≥3 affected segregations with a CYP1B1-related phenotype have been reported (PMID: 19597567), which fulfilled PP1_Strong. There were more family studies published than presented here. This variant has been identified in five individuals with a CYP1B1-related phenotype. Two of these individuals are compound heterozygous for the variant and a pathogenic or likely pathogenic variant (phase unknown) and three of these individuals are homozygous (consanguineous) for this variant (PMIDs: 9463332, 19597567). Total proband points = 1.75, meeting PM3. In summary, this variant met the criteria to receive a score of 9 and to be classified as likely pathogenic (likely pathogenic classification range 6 to 9, adapted from PMID: 32720330) for CYP1B1-related glaucoma with or without anterior segment dysgenesis (ASD) based on the ACMG/AMP criteria met, as specified by the ClinGen Glaucoma VCEP (v1.0, 06.11.2025): PP1_Strong, PM3, PP3, PS3_Supporting, PM2_Supporting.

Dubai Health Genomic Medicine Center, Dubai Health
Classification: Likely pathogenic for Glaucoma 3A. Last evaluated: 2024-10-04. Review status: criteria provided, single submitter. Criteria: ACMG Guidelines, 2015. Collection method: research. Allele origin: germline. Affected: yes. Not counted in ClinVar's aggregate classification.
Comment: PM2, PM3, PM1, PP3

Department of Genetics, Sultan Qaboos University Hospital
Classification: Likely pathogenic for Glaucoma 3A. Last evaluated: 2024-06-12. Review status: no assertion criteria provided. Collection method: curation. Allele origin: unknown. Affected: yes. Not counted in ClinVar's aggregate classification.

OMIM
Classification: Pathogenic for GLAUCOMA 3, PRIMARY CONGENITAL, A. Last evaluated: 1998-02-01. Review status: no assertion criteria provided. Collection method: literature only. Allele origin: germline. Not counted in ClinVar's aggregate classification.

Literature cited by the submitters: PubMed 9463332 (cited by OMIM).

NM_000104.4(CYP1B1):c.1120G>A (p.Asp374Asn)

Gene: CYP1B1 (cytochrome P450 family 1 subfamily B member 1; minus strand). Cytogenetic location: 2p22.2.
Variant type: single nucleotide variant.
Coding change: c.1120G>A on transcript NM_000104.4 (MANE Select); coding-DNA position 1120, G replaced by A.
Protein change: p.Asp374Asn; replaces aspartic acid 374 with asparagine.
Molecular consequence: missense variant.
Genome position (GRCh38, 1-based): chr2:38,071,234, C>T on the plus strand (G>A on the coding strand, the complement: CYP1B1 is on the minus strand). VCF-style: chr2-38071234-C-T. GRCh37 (hg19) VCF-style: chr2-38298377-C-T.
Other names: NM_000104.4(CYP1B1):c.1120G>A; short protein forms D374N.
Identifiers: ClinVar variation 7734 (VCV000007734.7), dbSNP rs104893622, ClinGen allele CA254240.